The following is an entry in ClinVar:

ClinVar aggregate classification (germline): Uncertain significance. Review status: criteria provided, multiple submitters, no conflicts (2 of 4 stars). 3 submissions from 3 submitters: Uncertain significance (3). Last evaluated 2026-01-12.

Conditions:
Inborn genetic diseases. Identifiers: MedGen C0950123, MeSH D030342.
Dyskeratosis congenita, autosomal dominant 6 (DKCA6). Identifiers: Orphanet 3322, MedGen C4225284, MONDO:0014690, OMIM 616553.

Allele frequency attached by ClinVar (database versions not stated): gnomAD 0.00001; ExAC 0.00001; gnomAD exomes 0.00001.

Submissions (3):

Labcorp Genetics (formerly Invitae), Labcorp
Classification: Uncertain significance for Dyskeratosis congenita, autosomal dominant 6. Last evaluated: 2026-01-12. Review status: criteria provided, single submitter. Criteria: Invitae Variant Classification Sherloc (09022015). Collection method: clinical testing. Allele origin: germline.
Comment: This sequence change replaces glycine, which is neutral and non-polar, with arginine, which is basic and polar, at codon 23 of the ACD protein (p.Gly23Arg). This variant is present in population databases (rs760222002, gnomAD 0.006%). This variant has not been reported in the literature in individuals affected with ACD-related conditions. ClinVar contains an entry for this variant (Variation ID: 1336469). Experimental studies and prediction algorithms are not available or were not evaluated, and the functional significance of this variant is currently unknown. In summary, the available evidence is currently insufficient to determine the role of this variant in disease. Therefore, it has been classified as a Variant of Uncertain Significance.

Ambry Genetics
Classification: Uncertain significance for Inborn genetic diseases. Last evaluated: 2024-08-28. Review status: criteria provided, single submitter. Criteria: Ambry Variant Classification Scheme 2023. Collection method: clinical testing. Allele origin: germline.

Genetic Services Laboratory, University of Chicago
Classification: Uncertain significance. Last evaluated: 2018-01-03. Review status: criteria provided, single submitter. Criteria: ACMG Guidelines, 2015. Collection method: clinical testing. Allele origin: germline. Affected: no.

NC_000016.10:g.67660412C>G

Genes: ACD (ACD shelterin complex subunit and telomerase recruitment factor; minus strand), LOC130059224 (ATAC-STARR-seq lymphoblastoid silent region 7617; plus strand). Cytogenetic location: 16q22.1.
Variant type: single nucleotide variant.
Genome position: GRCh38 VCF-style: chr16-67660412-C-G. GRCh37 (hg19) VCF-style: chr16-67694315-C-G.
Other names: short protein forms G23R.
Identifiers: ClinVar variation 1336469 (VCV001336469.11), dbSNP rs760222002, ClinGen allele CA8114938.
Genomic context (GRCh38, chr16:67,660,412, plus strand): 5'-GCGCCTGCGCACGAGGGCGTCCTGCTCGGGGGCCTGTGTGCAGACTCCCGCTGGTCCACC[C>G]CGCTGGTGCACGGGATGCTGGCCCGTTTACTCTCATCGCGGCGTCACTCTGACAGCGGCC-3'